The following is an entry in ClinVar:

NM_199355.4(ADAMTS18):c.68C>G (p.Ala23Gly)

Gene: ADAMTS18 (ADAM metallopeptidase with thrombospondin type 1 motif 18; minus strand). Cytogenetic location: 16q23.1.
Variant type: single nucleotide variant.
Coding change: c.68C>G on transcript NM_199355.4 (MANE Select); coding-DNA position 68, C replaced by G.
Protein change: p.Ala23Gly; replaces alanine 23 with glycine.
Molecular consequence: missense variant. On other transcripts: 5 prime UTR variant (1).
Genome position (GRCh38, 1-based): chr16:77,434,628, G>C on the plus strand (C>G on the coding strand, the complement: ADAMTS18 is on the minus strand). VCF-style: chr16-77434628-G-C. GRCh37 (hg19) VCF-style: chr16-77468525-G-C.
Other names: c.-453C>G (NM_001326358.2); short protein forms A23G.
Identifiers: ClinVar variation 2135468 (VCV002135468.4), dbSNP rs1401694800, ClinGen allele CA396851895.

ClinVar aggregate classification (germline): Uncertain significance (1 of 4 stars; one submission).

gnomAD v4.1: 1 of 1,491,710 alleles (0.000067%); highest among the groups gnomAD compares: Non-Finnish European, 0.000089%; no homozygotes.

Submission:

Labcorp Genetics (formerly Invitae), Labcorp
Classification: Uncertain significance. Last evaluated: 2022-10-17. Review status: criteria provided, single submitter. Criteria: Invitae Variant Classification Sherloc (09022015). Collection method: clinical testing. Allele origin: germline.
Comment: In summary, the available evidence is currently insufficient to determine the role of this variant in disease. Therefore, it has been classified as a Variant of Uncertain Significance. Algorithms developed to predict the effect of sequence changes on RNA splicing suggest that this variant may disrupt the consensus splice site. Algorithms developed to predict the effect of missense changes on protein structure and function are either unavailable or do not agree on the potential impact of this missense change (SIFT: "Not Available"; PolyPhen-2: "Benign"; Align-GVGD: "Not Available"). This variant has not been reported in the literature in individuals affected with ADAMTS18-related conditions. This variant is not present in population databases (gnomAD no frequency). This sequence change replaces alanine, which is neutral and non-polar, with glycine, which is neutral and non-polar, at codon 23 of the ADAMTS18 protein (p.Ala23Gly).